The following is an entry in ClinVar:

ClinVar aggregate classification (germline): Likely benign (1 of 4 stars; one submission).

Conditions:
Joubert syndrome 14 (JBTS14). Identifiers: MedGen C3280766, MONDO:0013745, OMIM 614424.

Allele frequency attached by ClinVar (database versions not stated): TOPMed 0.00411; 1000 Genomes Project 0.00499; 1000 Genomes Project 30x 0.00562.

Submission:

Illumina Laboratory Services, Illumina
Classification: Likely benign for Joubert syndrome 14. Last evaluated: 2018-01-12. Review status: criteria provided, single submitter. Criteria: ICSL Variant Classification Criteria 13 December 2019. Collection method: clinical testing. Allele origin: germline.
Comment: This variant was observed in the ICSL laboratory as part of a predisposition screen in an ostensibly healthy population. It had not been previously curated by ICSL or reported in the Human Gene Mutation Database (HGMD: prior to June 1st, 2018), and was therefore a candidate for classification through an automated scoring system. Utilizing variant allele frequency, disease prevalence and penetrance estimates, and inheritance mode, an automated score was calculated to assess if this variant is too frequent to cause the disease. Based on the score and internal cut-off values, a variant classified as likely benign is not then subjected to further curation. The score for this variant resulted in a classification of likely benign for this disease.

NM_001044385.3(TMEM237):c.*2142G>C

Gene: TMEM237 (transmembrane protein 237; minus strand). Cytogenetic location: 2q33.1.
Variant type: single nucleotide variant.
Coding change: c.*2142G>C on transcript NM_001044385.3 (MANE Select); 2142 bases downstream of the stop codon, G replaced by C.
Molecular consequence: 3 prime UTR variant.
Genome position (GRCh38, 1-based): chr2:201,622,113, C>G on the plus strand (G>C on the coding strand, the complement: TMEM237 is on the minus strand). VCF-style: chr2-201622113-C-G. GRCh37 (hg19) VCF-style: chr2-202486836-C-G.
Other names: c.*2142G>C (NM_152388.4).
Identifiers: ClinVar variation 333543 (VCV000333543.5), dbSNP rs76042698, ClinGen allele CA10612416.